The following is an entry in ClinVar:

ClinVar aggregate classification (germline): Pathogenic. Review status: reviewed by expert panel (3 of 4 stars). 16 submissions from 16 submitters: Pathogenic (1). 15 of the submissions do not count toward it. Last evaluated 2025-12-02.

Conditions:
BRCA1-related cancer predisposition. Identifiers: MedGen CN377757, MONDO:0700268.
Hereditary cancer-predisposing syndrome. Also called: Neoplastic Syndromes, Hereditary; Tumor predisposition; Hereditary Cancer Syndrome; Hereditary neoplastic syndrome. Identifiers: Orphanet 140162, MedGen C0027672, MeSH D009386, MONDO:0015356.
Hereditary breast ovarian cancer syndrome. Also called: Hereditary breast and/or ovarian cancer syndrome; Hereditary breast and ovarian cancer syndrome; Hereditary breast and ovarian cancer; Hereditary breast and ovarian cancer syndrome (HBOC); Breast and ovarian cancer; BRCA1- and BRCA2-Associated Hereditary Breast and Ovarian Cancer. Identifiers: Orphanet 145, MedGen C0677776, MeSH D061325, MONDO:0003582. Disease mechanism: loss of function.
Breast-ovarian cancer, familial, susceptibility to, 1 (BROVCA1). Also called: OVARIAN CANCER, SUSCEPTIBILITY TO; BRCA1 Hereditary Breast and Ovarian Cancer. Identifiers: Orphanet 145, MedGen C2676676, MONDO:0011450, OMIM 604370. Disease mechanism: loss of function.
Malignant tumor of breast. Also called: Malignant breast neoplasm; Cancer breast. Identifiers: MedGen C0006142, MONDO:0007254. Disease mechanism: loss of function.
Triple-negative breast cancer. Identifiers: MedGen C3539878.

Allele frequency attached by ClinVar (database versions not stated): gnomAD exomes below 0.00001; ExAC 0.00001.

Submissions 1 to 7 of 17:

ClinGen ENIGMA BRCA1 and BRCA2 Variant Curation Expert Panel, ClinGen
Classification: Pathogenic for BRCA1-related cancer predisposition. Last evaluated: 2025-12-02. Review status: reviewed by expert panel. Criteria: CSpec BRCA12ACMG Rules Specifications V1.1. Collection method: curation. Allele origin: germline. Inheritance: Autosomal dominant inheritance.
Comment: The c.5357T>C variant in BRCA1 is a missense variant predicted to cause substitution of Leucine by Proline at amino acid 1786 (p.(Leu1786Pro)). This variant is absent from gnomAD v2.1 (exomes only, non-cancer subset, read depth ≥25) and gnomAD v3.1 (non-cancer subset, read depth ≥25) (PM2_Supporting met). Reported by three calibrated studies to exhibit protein function similar to pathogenic control variants (PMIDs: 30209399, 32546644, 38709234) (PS3 met). This BRCA1 missense variant is within a key functional domain and the computational predictor BayesDel (noAF) gives a score of 0.41, above the recommended threshold of 0.28 for prediction of impact on BRCA1 function via protein change. A SpliceAI score of 0 predicts no impact on splicing (score threshold <0.10) (PP3 met). Multifactorial likelihood ratio analysis using clinically calibrated data produced a combined LR for this variant of 974.2 (based on Cosegregation LR=50.7; Pathology LR=30.5; Family History LR=0.63), above the threshold for very strong evidence towards pathogenicity (LR >350) (PP4_Very strong met; PMID: 31853058, Internal lab contributors). In summary, this variant meets the criteria to be classified as a Pathogenic variant for BRCA1-related cancer predisposition based on the ACMG/AMP criteria applied as specified by the ENIGMA BRCA1/2 VCEP (PM2_Supporting, PS3, PP3, PP4_Very Strong).

Color Diagnostics, LLC DBA Color Health
Classification: Likely pathogenic for Hereditary cancer-predisposing syndrome. Last evaluated: 2025-06-13. Review status: criteria provided, single submitter. Criteria: ACMG Guidelines, 2015. Collection method: clinical testing. Allele origin: germline. Not counted in ClinVar's aggregate classification.
Comment: This missense variant replaces leucine with proline at codon 1786 of the BRCA1 protein. Computational prediction is inconclusive regarding the impact of this variant on protein structure and function. Functional studies have shown the variant protein to be defective in transcriptional activity (PMID: 30765603), homology-directed DNA repair (PMID: 26689913, 32546644) and in a haploid cell proliferation assay (PMID: 30209399). This variant has been reported in individuals and families affected with breast and ovarian cancer (PMID 12938098, 26689913, 29113215, Color internal data). This variant has been identified in 1/251444 chromosomes in the general population by the Genome Aggregation Database (gnomAD). Based on the available evidence, this variant is classified as Likely Pathogenic.

Clinical Genetics Laboratory, Skane University Hospital Lund
Classification: Likely pathogenic for Triple-negative breast cancer. Last evaluated: 2025-04-28. Review status: criteria provided, single submitter. Criteria: ACMG Guidelines, 2015. Collection method: clinical testing. Allele origin: germline. Affected: yes. Not counted in ClinVar's aggregate classification.
Comment: Classified according to ClinGen ENIGMA BRCA1 and BRCA2 Expert Panel Specifications to the ACMG/AMP Variant Interpretation Guidelines for BRCA1 Version 1.2.0. Criteria used: PS3_Strong, PM2_Supporting, PP3_Supporting.

Ambry Genetics
Classification: Likely pathogenic for Hereditary cancer-predisposing syndrome. Last evaluated: 2025-01-22. Review status: criteria provided, single submitter. Criteria: Ambry Variant Classification Scheme 2023. Collection method: clinical testing. Allele origin: germline. Not counted in ClinVar's aggregate classification.
Comment: The p.L1786P variant (also known as c.5357T>C), located in coding exon 20 of the BRCA1 gene, results from a T to C substitution at nucleotide position 5357. The leucine at codon 1786 is replaced by proline, an amino acid with similar properties. This alteration has been reported in multiple breast and/or ovarian cancer cohorts (Meyer P et al. Hum. Mutat. 2003 Sep; 22(3):259; Shao D et al. Cancer Sci, 2020 Feb;111:647-657; Wan Q et al. Fam Cancer, 2021 Apr;20:85-95). This alteration was also found to be non-functional in multiple studies (Lu C et al. Nat Commun. 2015 Dec 22;6:10086; Fernandes VC et al. J Biol Chem, 2019 04;294:5980-5992; Zhang H et al. Oncol Lett, 2017 Nov;14:5839-5844; Findlay GM et al. Nature. 2018 10;562:217-222). Based on internal structural assessment, this alteration results in moderate structural disruption of the BRCT domain (Ambry internal data). This amino acid position is highly conserved in available vertebrate species. In addition, this alteration is predicted to be deleterious by in silico analysis. Based on the majority of available evidence to date, this variant is likely to be pathogenic.

Labcorp Genetics (formerly Invitae), Labcorp
Classification: Likely pathogenic for Hereditary breast ovarian cancer syndrome. Last evaluated: 2025-01-21. Review status: criteria provided, single submitter. Criteria: Invitae Variant Classification Sherloc (09022015). Collection method: clinical testing. Allele origin: germline. Not counted in ClinVar's aggregate classification.
Comment: This sequence change replaces leucine, which is neutral and non-polar, with proline, which is neutral and non-polar, at codon 1786 of the BRCA1 protein (p.Leu1786Pro). This variant is present in population databases (rs398122697, gnomAD 0.0009%). This missense change has been observed in individual(s) with breast and/or ovarian cancer (PMID: 12938098, 26689913, 29113215, 32803532; internal data). This variant is also known as 5476C>T. ClinVar contains an entry for this variant (Variation ID: 91649). Invitae Evidence Modeling incorporating data from in vitro experimental studies (PMID: 30209399) indicates that this missense variant is expected to disrupt BRCA1 function with a positive predictive value of 95%. Experimental studies have shown that this missense change affects BRCA1 function (PMID: 26689913, 29113215, 30209399, 30765603). In summary, the currently available evidence indicates that the variant is pathogenic, but additional data are needed to prove that conclusively. Therefore, this variant has been classified as Likely Pathogenic.

Molecular Pathology, Peter Maccallum Cancer Centre
Classification: Likely pathogenic for Breast-ovarian cancer, familial, susceptibility to, 1. Last evaluated: 2025-01-02. Review status: criteria provided, single submitter. Criteria: ACMG Guidelines, 2015. Collection method: clinical testing. Allele origin: germline. Inheritance: Autosomal dominant inheritance. Not counted in ClinVar's aggregate classification.

Quest Diagnostics Nichols Institute San Juan Capistrano
Classification: Likely pathogenic. Last evaluated: 2024-05-14. Review status: criteria provided, single submitter. Criteria: Quest Diagnostics criteria. Collection method: clinical testing. Allele origin: unknown. Not counted in ClinVar's aggregate classification.
Comment: The BRCA1 c.5357T>C (p.Leu1786Pro) variant has been reported in the published literature in individuals with breast and/or ovarian cancer (PMIDs: 26317927 (2016), 12938098 (2003)). Functional evidence suggests that this variant may impact BRCA1 protein function (PMIDs: 30765603 (2019), 30209399 (2018), 26689913 (2015)). The frequency of this variant in the general population, 0.000004 (1/251444 chromosomes (Genome Aggregation Database)), is consistent with pathogenicity. Based on the available information, this variant is classified as likely pathogenic.

NM_007294.4(BRCA1):c.5357T>C (p.Leu1786Pro)

Gene: BRCA1 (BRCA1 DNA repair associated; minus strand). Cytogenetic location: 17q21.31.
Variant type: single nucleotide variant.
Coding change: c.5357T>C on transcript NM_007294.4 (MANE Select); coding-DNA position 5357, T replaced by C.
Protein change: p.Leu1786Pro; replaces leucine 1786 with proline.
Molecular consequence: missense variant. On other transcripts: non-coding transcript variant (1), intron variant (1).
Genome position (GRCh38, 1-based): chr17:43,049,170, A>G on the plus strand (T>C on the coding strand, the complement: BRCA1 is on the minus strand). VCF-style: chr17-43049170-A-G. GRCh37 (hg19) VCF-style: chr17-41201187-A-G.
Other names: p.L1786P:CTG>CCG; NM_007294.4(BRCA1):c.5357T>C; 5476T>C; c.5144T>C, p.Leu1715Pro (NM_001407571.1, NM_001407899.1, NM_001407900.1 and 12 more transcripts); c.5423T>C, p.Leu1808Pro (NM_001407581.1, NM_001407582.1); c.5420T>C, p.Leu1807Pro (NM_001407583.1, NM_001407585.1, NM_001407587.1 and 1 more transcripts); c.5417T>C, p.Leu1806Pro (NM_001407590.1, NM_001407591.1); c.5357T>C, p.Leu1786Pro (NM_001407593.1, NM_001407594.1, NM_001407596.1 and 5 more transcripts); and 76 more; short protein forms L1786P, L1807P, L1739P, L682P, L1490P, L1658P, L1738P, L1745P.
Identifiers: ClinVar variation 91649 (VCV000091649.48), dbSNP rs398122697, ClinGen allele CA003521.